The following is an entry in ClinVar:

NM_080680.3(COL11A2):c.2983A>G (p.Thr995Ala)

Gene: COL11A2 (collagen type XI alpha 2 chain; minus strand). Cytogenetic location: 6p21.32.
Variant type: single nucleotide variant.
Coding change: c.2983A>G on transcript NM_080680.3 (MANE Select); coding-DNA position 2983, A replaced by G.
Protein change: p.Thr995Ala; replaces threonine 995 with alanine.
Molecular consequence: missense variant.
Genome position (GRCh38, 1-based): chr6:33,172,294, T>C on the plus strand (A>G on the coding strand, the complement: COL11A2 is on the minus strand). VCF-style: chr6-33172294-T-C. GRCh37 (hg19) VCF-style: chr6-33140071-T-C.
Other names: c.2662A>G, p.Thr888Ala (NM_080679.3); c.2725A>G, p.Thr909Ala (NM_080681.3); short protein forms T995A, T888A, T909A.
Identifiers: ClinVar variation 517417 (VCV000517417.7), dbSNP rs1554217436, ClinGen allele CA363636740.

ClinVar aggregate classification (germline): Uncertain significance. Review status: criteria provided, multiple submitters, no conflicts (2 of 4 stars). 4 submissions from 4 submitters: Uncertain significance (4). Last evaluated 2026-01-25.

Conditions:
COL11A2-related disorder. Also called: COL11A2-related condition; COL11A2-related disorders.

Allele frequency attached by ClinVar (database versions not stated): TOPMed 0.00002.
gnomAD v4.1: 12 of 1,585,128 alleles (0.00076%); highest among the groups gnomAD compares: Non-Finnish European, 0.00094%; no homozygotes.

Submissions (4):

Labcorp Genetics (formerly Invitae), Labcorp
Classification: Uncertain significance. Last evaluated: 2026-01-25. Review status: criteria provided, single submitter. Criteria: Invitae Variant Classification Sherloc (09022015). Collection method: clinical testing. Allele origin: germline.
Comment: This sequence change replaces threonine, which is neutral and polar, with alanine, which is neutral and non-polar, at codon 995 of the COL11A2 protein (p.Thr995Ala). This variant is not present in population databases (gnomAD no frequency). This variant has not been reported in the literature in individuals affected with COL11A2-related conditions. ClinVar contains an entry for this variant (Variation ID: 517417). Invitae Evidence Modeling of protein sequence and biophysical properties (such as structural, functional, and spatial information, amino acid conservation, physicochemical variation, residue mobility, and thermodynamic stability) indicates that this missense variant is not expected to disrupt COL11A2 protein function with a negative predictive value of 95%. In summary, the available evidence is currently insufficient to determine the role of this variant in disease. Therefore, it has been classified as a Variant of Uncertain Significance.

PreventionGenetics, part of Exact Sciences
Classification: Uncertain significance for COL11A2-related condition. Last evaluated: 2025-09-25. Review status: criteria provided, single submitter. Criteria: ACMG Guidelines, 2015. Collection method: clinical testing. Allele origin: germline.
Comment: The COL11A2 c.2983A>G variant is predicted to result in the amino acid substitution p.Thr995Ala. To our knowledge, this variant has not been reported in the literature or in a large population database (gnomAD), indicating this variant is rare. At this time, the clinical significance of this variant is uncertain due to the absence of conclusive functional and genetic evidence.

Blueprint Genetics
Classification: Uncertain significance. Last evaluated: 2019-08-09. Review status: criteria provided, single submitter. Criteria: ACMG Guidelines, 2015. Collection method: clinical testing. Allele origin: germline.

Laboratory for Molecular Medicine, Mass General Brigham Personalized Medicine
Classification: Uncertain significance. Last evaluated: 2018-12-17. Review status: criteria provided, single submitter. Criteria: LMM Criteria. Collection method: clinical testing. Allele origin: germline. Observed: 2 variant alleles.
Comment: The p.Thr995Ala variant in COL11A2 has not been previously reported in individua ls with hearing loss or in large population studies. Computational prediction t ools and conservation analyses do not provide strong support for or against an i mpact to the protein. In summary, the clinical significance of the p.Thr995Ala v ariant is uncertain. ACMG/AMP criteria applied: PM2.